The following is an entry in ClinVar:

ClinVar aggregate classification (germline): Pathogenic. Review status: reviewed by expert panel (3 of 4 stars). 7 submissions from 7 submitters: Pathogenic (1). 6 of the submissions do not count toward it. Last evaluated 2016-09-08.

Conditions:
Breast-ovarian cancer, familial, susceptibility to, 1 (BROVCA1). Also called: OVARIAN CANCER, SUSCEPTIBILITY TO; BRCA1 Hereditary Breast and Ovarian Cancer. Identifiers: Orphanet 145, MedGen C2676676, MONDO:0011450, OMIM 604370. Disease mechanism: loss of function.

Submissions (7):

Evidence-based Network for the Interpretation of Germline Mutant Alleles (ENIGMA)
Classification: Pathogenic for Breast-ovarian cancer, familial, susceptibility to, 1. Last evaluated: 2016-09-08. Review status: reviewed by expert panel. Criteria: ENIGMA BRCA1/2 Classification Criteria (2015). Collection method: curation. Allele origin: germline.
Comment: Variant allele predicted to encode a truncated non-functional protein.

Consortium of Investigators of Modifiers of BRCA1/2 (CIMBA), c/o University of Cambridge
Classification: Pathogenic for Breast-ovarian cancer, familial, susceptibility to, 1. Last evaluated: 2015-10-02. Review status: criteria provided, single submitter. Criteria: CIMBA Mutation Classification guidelines May 2016. Collection method: clinical testing. Allele origin: germline. Not counted in ClinVar's aggregate classification.

Clinical Genetics DNA and cytogenetics Diagnostics Lab, Erasmus MC, Erasmus Medical Center
Classification: Pathogenic for Breast-ovarian cancer, familial, susceptibility to, 1. Last evaluated: 2015-09-21. Review status: criteria provided, single submitter. Criteria: ACGS Guidelines, 2013. Collection method: clinical testing. Allele origin: germline. Affected: yes. Study: VKGL Data-share Consensus. Not counted in ClinVar's aggregate classification.

Sharing Clinical Reports Project (SCRP)
Classification: Pathogenic for Breast-ovarian cancer, familial 1. Last evaluated: 2010-07-14. Review status: no assertion criteria provided. Collection method: clinical testing. Allele origin: germline. Not counted in ClinVar's aggregate classification.

Breast Cancer Information Core (BIC) (BRCA1)
Classification: Pathogenic for Breast-ovarian cancer, familial 1. Last evaluated: 1997-04-11. Review status: no assertion criteria provided. Collection method: clinical testing. Allele origin: germline. Affected: yes. Observed: 6 variant alleles. Not counted in ClinVar's aggregate classification.

Clinical Genetics Laboratory, Department of Pathology, Netherlands Cancer Institute
Classification: Pathogenic. Review status: no assertion criteria provided. Collection method: clinical testing. Allele origin: germline. Affected: yes. Study: VKGL Data-share Consensus. Not counted in ClinVar's aggregate classification.

Diagnostic Laboratory, Department of Genetics, University Medical Center Groningen
Classification: Pathogenic for Breast-ovarian cancer, familial, susceptibility to, 1. Review status: no assertion criteria provided. Collection method: clinical testing. Allele origin: germline. Affected: yes. Study: VKGL Data-share Consensus. Not counted in ClinVar's aggregate classification.

NM_007294.4(BRCA1):c.2646_2648del (p.Cys882_Ala883delinsTer)

Gene: BRCA1 (BRCA1 DNA repair associated; minus strand). Cytogenetic location: 17q21.31.
Variant type: Deletion.
Coding change: c.2646_2648del on transcript NM_007294.4 (MANE Select); coding-DNA positions 2646 to 2648, 3 bases deleted (TGC; older notation c.2646_2648delTGC).
Protein change: p.Cys882_Ala883delinsTer.
Molecular consequence: nonsense. On other transcripts: intron variant (137).
Genome position (GRCh38, 1-based): chr17:43,092,883-43,092,885, GCA deleted on the plus strand (TGC on the coding strand, the reverse complement: BRCA1 is on the minus strand). VCF-style (leftmost placement, unchanged base first): chr17-43092882-TGCA-T. GRCh37 (hg19) VCF-style: chr17-41244899-TGCA-T.
Other names: 2765delTGC; 2765del3; c.665-1853_665-1851del (NM_001408428.1, NM_001408441.1, NM_001408437.1 and 12 more transcripts); c.671-1853_671-1851del (NM_001408418.1, NM_001408423.1, NM_001408420.1 and 2 more transcripts); c.788-1853_788-1851del (NM_001407981.1, NM_007298.4, NM_001407978.1 and 17 more transcripts); c.644-1853_644-1851del (NM_001408462.1, NM_001408470.1, NM_001408464.1 and 3 more transcripts); c.710-1853_710-1851del (NM_001408414.1, NM_001408411.1, NM_001408415.1 and 2 more transcripts); c.578-1853_578-1851del (NM_001408514.1, NM_001408485.1, NM_001408483.1 and 9 more transcripts); and 43 more.
Identifiers: ClinVar variation 54627 (VCV000054627.7), dbSNP rs80357513, ClinGen allele CA001734.